The following is an entry in ClinVar:

ClinVar aggregate classification (germline): Conflicting classifications of pathogenicity. Review status: criteria provided, conflicting classifications (1 of 4 stars). 3 submissions from 3 submitters: Likely pathogenic (1); Uncertain significance (2). Last evaluated 2023-11-10.

Conditions:
COL11A1-related disorder. Also called: COL11A1-related condition; COL11A1-related disorders.

Submissions (3):

GeneDx
Classification: Uncertain significance. Last evaluated: 2023-11-10. Review status: criteria provided, single submitter. Criteria: GeneDx Variant Classification Process June 2021. Collection method: clinical testing. Allele origin: germline. Affected: yes.
Comment: Not observed at significant frequency in large population cohorts (gnomAD); In silico analysis supports that this missense variant has a deleterious effect on protein structure/function; Has not been previously published as pathogenic or benign to our knowledge; This variant is associated with the following publications: (PMID: 25240749)

Labcorp Genetics (formerly Invitae), Labcorp
Classification: Uncertain significance. Last evaluated: 2023-07-06. Review status: criteria provided, single submitter. Criteria: Invitae Variant Classification Sherloc (09022015). Collection method: clinical testing. Allele origin: germline.
Comment: This sequence change replaces glycine, which is neutral and non-polar, with serine, which is neutral and polar, at codon 1525 of the COL11A1 protein (p.Gly1525Ser). This variant is not present in population databases (gnomAD no frequency). This variant has not been reported in the literature in individuals affected with COL11A1-related conditions. ClinVar contains an entry for this variant (Variation ID: 2134543). Advanced modeling of protein sequence and biophysical properties (such as structural, functional, and spatial information, amino acid conservation, physicochemical variation, residue mobility, and thermodynamic stability) has been performed at Invitae for this missense variant, however the output from this modeling did not meet the statistical confidence thresholds required to predict the impact of this variant on COL11A1 protein function. In summary, the available evidence is currently insufficient to determine the role of this variant in disease. Therefore, it has been classified as a Variant of Uncertain Significance.

Blueprint Genetics
Classification: Likely pathogenic for COL11A1-related disorders. Last evaluated: 2017-10-19. Review status: criteria provided, single submitter. Criteria: ACMG Guidelines, 2015. Collection method: clinical testing. Allele origin: germline. Affected: yes. Observed: 2 variant alleles.

NM_001854.4(COL11A1):c.4573G>A (p.Gly1525Ser)

Gene: COL11A1 (collagen type XI alpha 1 chain; minus strand). Cytogenetic location: 1p21.1.
Variant type: single nucleotide variant.
Coding change: c.4573G>A on transcript NM_001854.4 (MANE Select); coding-DNA position 4573, G replaced by A.
Protein change: p.Gly1525Ser; replaces glycine 1525 with serine.
Molecular consequence: missense variant. On other transcripts: non-coding transcript variant (1).
Genome position (GRCh38, 1-based): chr1:102,888,612, C>T on the plus strand (G>A on the coding strand, the complement: COL11A1 is on the minus strand). VCF-style: chr1-102888612-C-T. GRCh37 (hg19) VCF-style: chr1-103354168-C-T.
Other names: c.4225G>A, p.Gly1409Ser (NM_001168249.1, NM_080630.4); c.4456G>A, p.Gly1486Ser (NM_001190709.2); c.4609G>A, p.Gly1537Ser (NM_080629.3); c.4573G>A (NM_001854.3); short protein forms G1537S, G1409S, G1486S, G1525S.
Identifiers: ClinVar variation 2134543 (VCV002134543.6), dbSNP rs2524243184, ClinGen allele CA341212325.